The following is an entry in ClinVar:

ClinVar aggregate classification (germline): Likely benign (1 of 4 stars; one submission).

Allele frequency attached by ClinVar (database versions not stated): ExAC 0.00075; 1000 Genomes Project 0.00185.

Submission:

CeGaT Center for Human Genetics Tuebingen
Classification: Likely benign. Last evaluated: 2026-02-01. Review status: criteria provided, single submitter. Criteria: CeGaT Center For Human Genetics Tuebingen Variant Classification Criteria Version 2. Collection method: clinical testing. Allele origin: germline. Affected: yes. Observed: 2 variant alleles.
Comment: VCX3B: BP4, BP7

NC_000023.11:g.8465996C>T

Gene: VCX3B (variable charge X-linked 3B; plus strand). Cytogenetic location: Xp22.31.
Variant type: single nucleotide variant.
Genome position: GRCh38 VCF-style: chrX-8465996-C-T. GRCh37 (hg19) VCF-style: chrX-8434037-C-T.
Identifiers: ClinVar variation 2659932 (VCV002659932.24), dbSNP rs200603995, ClinGen allele CA10343282.